The following is an entry in ClinVar:

ClinVar aggregate classification (germline): Uncertain significance. Review status: criteria provided, multiple submitters, no conflicts (2 of 4 stars). 2 submissions from 2 submitters: Uncertain significance (2). Last evaluated 2025-04-01.

Conditions:
Inborn genetic diseases. Identifiers: MedGen C0950123, MeSH D030342.
Bainbridge-Ropers syndrome. Also called: Severe feeding difficulties-failure to thrive-microcephaly due to ASXL3 deficiency syndrome. Identifiers: Orphanet 352577, MedGen C4750837, MONDO:0014205, OMIM 615485.

Allele frequency attached by ClinVar (database versions not stated): gnomAD 0.00001; gnomAD exomes 0.00001 and below 0.00001; ExAC 0.00001; TOPMed 0.00002.
gnomAD v4.1: 21 of 1,613,524 alleles (0.0013%); highest among the groups gnomAD compares: African/African-American, 0.011%; no homozygotes.

Submissions (2):

Ambry Genetics
Classification: Uncertain significance for Inborn genetic diseases. Last evaluated: 2025-04-01. Review status: criteria provided, single submitter. Criteria: Ambry Variant Classification Scheme 2023. Collection method: clinical testing. Allele origin: germline.

New York Genome Center
Classification: Uncertain significance for Bainbridge-Ropers syndrome. Last evaluated: 2020-04-30. Review status: criteria provided, single submitter. Criteria: NYGC Assertion Criteria 2020. Collection method: clinical testing. Allele origin: germline. Observed: 1 heterozygote. Study: CSER-NYCKidSeq.
Comment: The heterozygous missense variant, p.Gln633Leu, identified in ASXL3 has not been reported in affected individuals in the literature. It is extremely rare in the gnomAD database with an allele frequency of 0.000004036; 1 out of 247,772 heterozygous alleles. The p.Gln633Leu variant affects an evolutionarily conserved residue and is predicted deleterious by multiple in silico tools. Based on the available evidence, the p.Gln633Leu variant in the ASXL3 gene is assessed as a variant of uncertain significance.

NM_030632.3(ASXL3):c.1898A>T (p.Gln633Leu)

Gene: ASXL3 (ASXL transcriptional regulator 3; plus strand). Cytogenetic location: 18q12.1.
Variant type: single nucleotide variant.
Coding change: c.1898A>T on transcript NM_030632.3 (MANE Select); coding-DNA position 1898, A replaced by T.
Protein change: p.Gln633Leu; replaces glutamine 633 with leucine.
Molecular consequence: missense variant.
Genome position (GRCh38, 1-based): chr18:33,739,302, A>T. VCF-style: chr18-33739302-A-T. GRCh37 (hg19) VCF-style: chr18-31319266-A-T.
Other names: c.1898A>T (NM_030632.1); short protein forms Q633L.
Identifiers: ClinVar variation 1325582 (VCV001325582.2), dbSNP rs373530168, ClinGen allele CA8933831.